The following is an entry in ClinVar:

NM_003070.5(SMARCA2):c.4575AGA[1] (p.Glu1527del)

Gene: SMARCA2 (SWI/SNF related BAF chromatin remodeling complex subunit ATPase 2; plus strand). Cytogenetic location: 9p24.3.
Variant type: Microsatellite.
Coding change: c.4575AGA[1] on transcript NM_003070.5 (MANE Select); one copy of the 3-base unit AGA starting at c.4575; the reference has two copies in a row; one copy, 3 bases deleted.
Protein change: p.Glu1527del; deletes glutamic acid 1527.
Molecular consequence: inframe deletion. On other transcripts: inframe indel (3).
Genome position (GRCh38, 1-based): chr9:2,186,212-2,186,214, AGA deleted; deleting any 3 consecutive bases within chr9:2,186,207-2,186,214 gives the same sequence; the position shown is the placement nearest the transcript's 3' end. VCF-style (leftmost placement, unchanged base first): chr9-2186206-TGAA-T. GRCh37 (hg19) VCF-style: chr9-2186206-TGAA-T.
Other names: c.4575_4577AGA[1], p.Glu1527del (NM_001289396.2); c.4347AGA[1], p.Glu1451del (NM_001289397.2); c.549AGA[1], p.Glu185del (NM_001289398.2); c.633_635AGA[1], p.Glu213del (NM_001289399.2); c.639_641AGA[1], p.Glu215del (NM_001289400.2); c.4521AGA[1], p.Glu1509del (NM_139045.4); short protein forms E1451del, E1509del, E1527del, E185del, E213del, E215del.
Identifiers: ClinVar variation 1708310 (VCV001708310.6), dbSNP rs754943076, ClinGen allele CA4964220.

ClinVar aggregate classification (germline): Conflicting classifications of pathogenicity. Review status: criteria provided, conflicting classifications (1 of 4 stars). 3 submissions from 3 submitters: Uncertain significance (2); Likely benign (1). Last evaluated 2023-08-17.

Submissions (3):

Labcorp Genetics (formerly Invitae), Labcorp
Classification: Uncertain significance. Last evaluated: 2023-08-17. Review status: criteria provided, single submitter. Criteria: Invitae Variant Classification Sherloc (09022015). Collection method: clinical testing. Allele origin: germline.
Comment: This variant, c.4578_4580del, results in the deletion of 1 amino acid(s) of the SMARCA2 protein (p.Glu1527del), but otherwise preserves the integrity of the reading frame. This variant is present in population databases (rs754943076, gnomAD 0.01%). This variant has not been reported in the literature in individuals affected with SMARCA2-related conditions. Experimental studies and prediction algorithms are not available or were not evaluated, and the functional significance of this variant is currently unknown. In summary, the available evidence is currently insufficient to determine the role of this variant in disease. Therefore, it has been classified as a Variant of Uncertain Significance.

GeneDx
Classification: Uncertain significance. Last evaluated: 2022-11-08. Review status: criteria provided, single submitter. Criteria: GeneDx Variant Classification Process June 2021. Collection method: clinical testing. Allele origin: germline. Affected: yes.
Comment: In-frame deletion of 1 amino acid in a non-repeat region; In silico analysis supports a deleterious effect on protein structure/function; Has not been previously published as pathogenic or benign to our knowledge

Centre of Medical Genetics, University Hospital Muenster
Classification: Likely benign. Last evaluated: 2021-12-16. Review status: criteria provided, single submitter. Criteria: ACMG Guidelines, 2015. Collection method: clinical testing. Allele origin: unknown. Affected: yes. Observed: 1 variant allele, 1 heterozygote.
Comment: ACMG categories: BS2,BP5